The following is an entry in ClinVar:

ClinVar aggregate classification (germline): Conflicting classifications of pathogenicity. Review status: criteria provided, conflicting classifications (1 of 4 stars). 3 submissions from 3 submitters: Likely pathogenic (1); Uncertain significance (2). Last evaluated 2025-12-01.

Conditions:
Congenital disorder of deglycosylation (CDDG). Identifiers: MedGen C3808991, MONDO:0031376.

Allele frequency attached by ClinVar (database versions not stated): gnomAD exomes below 0.00001; ExAC 0.00001; gnomAD 0.00002; TOPMed 0.00002.
gnomAD v4.1: 5 of 1,613,058 alleles (0.00031%); highest among the groups gnomAD compares: African/African-American, 0.0027%; no homozygotes.

Submissions (3):

Labcorp Genetics (formerly Invitae), Labcorp
Classification: Uncertain significance for Congenital disorder of deglycosylation. Last evaluated: 2025-12-01. Review status: criteria provided, single submitter. Criteria: Invitae Variant Classification Sherloc (09022015). Collection method: clinical testing. Allele origin: germline.
Comment: This sequence change replaces arginine, which is basic and polar, with tryptophan, which is neutral and slightly polar, at codon 308 of the NGLY1 protein (p.Arg308Trp). The frequency data for this variant in the population databases is considered unreliable, as metrics indicate poor data quality at this position in the gnomAD database. This missense change has been observed in individual(s) with NGLY1-related conditions (PMID: 35243670). ClinVar contains an entry for this variant (Variation ID: 1182319). Invitae Evidence Modeling of protein sequence and biophysical properties (such as structural, functional, and spatial information, amino acid conservation, physicochemical variation, residue mobility, and thermodynamic stability) indicates that this missense variant is expected to disrupt NGLY1 protein function with a positive predictive value of 80%. In summary, the available evidence is currently insufficient to determine the role of this variant in disease. Therefore, it has been classified as a Variant of Uncertain Significance.

GeneDx
Classification: Likely pathogenic. Last evaluated: 2025-06-12. Review status: criteria provided, single submitter. Criteria: GeneDx Variant Classification Process June 2021. Collection method: clinical testing. Allele origin: germline. Affected: yes.
Comment: Identified with a second variant in NGLY1 in multiple unrelated patients with a clinical presentation consistent with NGLY1-related congenital disorder of deglycosylation (PMID: 35243670, 36528660); Not observed at significant frequency in large population cohorts (gnomAD); In silico analysis supports that this missense variant has a deleterious effect on protein structure/function; This variant is associated with the following publications: (PMID: 35406718, 35243670, 36528660)

Women's Health and Genetics/Laboratory Corporation of America, LabCorp
Classification: Uncertain significance. Last evaluated: 2025-03-14. Review status: criteria provided, single submitter. Criteria: LabCorp Variant Classification Summary - May 2015. Collection method: clinical testing. Allele origin: germline.
Comment: Variant summary: NGLY1 c.922C>T (p.Arg308Trp) results in a non-conservative amino acid change in the encoded protein sequence. Four of five in-silico tools predict a damaging effect of the variant on protein function. The frequency data for this variant in gnomAD is considered unreliable, as metrics indicate poor data quality at this position. c.922C>T has been reported in the literature in individuals affected with NGLY1 Deficiency/Congenital Disorder Of Deglycosylation. These data indicate that the variant may be associated with disease. To our knowledge, no experimental evidence demonstrating an impact on protein function has been reported. The following publications have been ascertained in the context of this evaluation (PMID: 35243670, 36528660). ClinVar contains an entry for this variant (Variation ID: 1182319). Based on the evidence outlined above, the variant was classified as VUS-possibly pathogenic.

Literature cited by the submitters: PubMed 35243670 (cited by Labcorp Genetics (formerly Invitae), Labcorp and Women's Health and Genetics/Laboratory Corporation of America, LabCorp); PubMed 36528660 (cited by Women's Health and Genetics/Laboratory Corporation of America, LabCorp).

NM_018297.4(NGLY1):c.922C>T (p.Arg308Trp)

Gene: NGLY1 (N-glycanase 1; minus strand). Cytogenetic location: 3p24.2.
Variant type: single nucleotide variant.
Coding change: c.922C>T on transcript NM_018297.4 (MANE Select); coding-DNA position 922, C replaced by T.
Protein change: p.Arg308Trp; replaces arginine 308 with tryptophan.
Molecular consequence: missense variant.
Genome position (GRCh38, 1-based): chr3:25,737,415, G>A on the plus strand (C>T on the coding strand, the complement: NGLY1 is on the minus strand). VCF-style: chr3-25737415-G-A. GRCh37 (hg19) VCF-style: chr3-25778906-G-A.
Other names: c.922C>T, p.Arg308Trp (NM_001145293.2, NM_001145295.2); c.796C>T, p.Arg266Trp (NM_001145294.2); short protein forms R266W, R308W.
Identifiers: ClinVar variation 1182319 (VCV001182319.11), dbSNP rs768017869, ClinGen allele CA2289342.